The following is an entry in ClinVar:

NM_000051.4(ATM):c.808A>T (p.Arg270Trp)

Gene: ATM (ATM serine/threonine kinase; plus strand). Cytogenetic location: 11q22.3.
Variant type: single nucleotide variant.
Coding change: c.808A>T on transcript NM_000051.4 (MANE Select); coding-DNA position 808, A replaced by T.
Protein change: p.Arg270Trp; replaces arginine 270 with tryptophan.
Molecular consequence: missense variant.
Genome position (GRCh38, 1-based): chr11:108,244,933, A>T. VCF-style: chr11-108244933-A-T. GRCh37 (hg19) VCF-style: chr11-108115660-A-T.
Other names: c.808A>T, p.Arg270Trp (NM_001351834.2); short protein forms R270W.
Identifiers: ClinVar variation 3451555 (VCV003451555.1).

ClinVar aggregate classification (germline): Uncertain significance (1 of 4 stars; one submission).

Conditions:
Hereditary cancer-predisposing syndrome. Also called: Tumor predisposition; Neoplastic Syndromes, Hereditary; Hereditary neoplastic syndrome; Hereditary Cancer Syndrome. Identifiers: Orphanet 140162, MedGen C0027672, MeSH D009386, MONDO:0015356.

Submission:

Ambry Genetics
Classification: Uncertain significance for Hereditary cancer-predisposing syndrome. Last evaluated: 2024-09-27. Review status: criteria provided, single submitter. Criteria: Ambry Variant Classification Scheme 2023. Collection method: clinical testing. Allele origin: germline.
Comment: The p.R270W variant (also known as c.808A>T), located in coding exon 6 of the ATM gene, results from an A to T substitution at nucleotide position 808. The arginine at codon 270 is replaced by tryptophan, an amino acid with dissimilar properties. This amino acid position is conserved. In addition, the in silico prediction for this alteration is inconclusive. Based on the available evidence, the clinical significance of this variant remains unclear.